The following is an entry in ClinVar:

ClinVar aggregate classification (germline): Uncertain significance (1 of 4 stars; one submission).

Conditions:
Alstrom syndrome (ALMS). Identifiers: Orphanet 64, MedGen C0268425, MONDO:0008763, OMIM 203800.

Allele frequency attached by ClinVar (database versions not stated): gnomAD exomes below 0.00001; ExAC 0.00001.

Submission:

Labcorp Genetics (formerly Invitae), Labcorp
Classification: Uncertain significance for Alstrom syndrome. Last evaluated: 2022-09-06. Review status: criteria provided, single submitter. Criteria: Invitae Variant Classification Sherloc (09022015). Collection method: clinical testing. Allele origin: germline.
Comment: This sequence change replaces alanine with threonine at codon 1876 of the ALMS1 protein (p.Ala1876Thr). The alanine residue is weakly conserved and there is a small physicochemical difference between alanine and threonine. This variant is not present in population databases (gnomAD no frequency). This variant has not been reported in the literature in individuals affected with ALMS1-related conditions. ClinVar contains an entry for this variant (Variation ID: 1429743). Experimental studies and prediction algorithms are not available or were not evaluated, and the functional significance of this variant is currently unknown. In summary, the available evidence is currently insufficient to determine the role of this variant in disease. Therefore, it has been classified as a Variant of Uncertain Significance.

NM_001378454.1(ALMS1):c.5623G>A (p.Ala1875Thr)

Gene: ALMS1 (ALMS1 centrosome and basal body associated protein; plus strand). Cytogenetic location: 2p13.1.
Variant type: single nucleotide variant.
Coding change: c.5623G>A on transcript NM_001378454.1 (MANE Select); coding-DNA position 5623, G replaced by A.
Protein change: p.Ala1875Thr; replaces alanine 1875 with threonine.
Molecular consequence: missense variant.
Genome position (GRCh38, 1-based): chr2:73,452,150, G>A. VCF-style: chr2-73452150-G-A. GRCh37 (hg19) VCF-style: chr2-73679277-G-A.
Other names: c.5626G>A, p.Ala1876Thr (NM_015120.4); short protein forms A1875T, A1876T.
Identifiers: ClinVar variation 1429743 (VCV001429743.4), dbSNP rs768147561, ClinGen allele CA1713916.
Genomic context (GRCh38, chr2:73,452,150, plus strand): 5'-GAGCACTCTGTCATTTCTTATGAGCAGGAGTTGCCAGATCTTACTGAAGTAACTTTGAAA[G>A]CAATAGGGGTTCCTGGGCCTGCTGACCAGAAGACTGGGATACAAATAGCATCCTCTAGTT-3'
Protein context (NP_001365383.1, residues 1865-1885): LPDLTEVTLK[Ala1875Thr]IGVPGPADQK